The following is an entry in ClinVar:

NM_000334.4(SCN4A):c.5126A>G (p.Asn1709Ser)

Genes: GH-LCR (growth hormone locus control region; plus strand), SCN4A (sodium voltage-gated channel alpha subunit 4; minus strand). Cytogenetic location: 17q23.3.
Variant type: single nucleotide variant.
Coding change: c.5126A>G on transcript NM_000334.4 (MANE Select); coding-DNA position 5126, A replaced by G.
Protein change: p.Asn1709Ser; replaces asparagine 1709 with serine.
Molecular consequence: missense variant.
Genome position (GRCh38, 1-based): chr17:63,941,156, T>C on the plus strand (A>G on the coding strand, the complement: SCN4A is on the minus strand). VCF-style: chr17-63941156-T-C. GRCh37 (hg19) VCF-style: chr17-62018516-T-C.
Other names: short protein forms N1709S.
Identifiers: ClinVar variation 448286 (VCV000448286.28), dbSNP rs766365683, ClinGen allele CA8708834.
Genomic context (GRCh38, chr17:63,941,156, plus strand): 5'-ACCTCCTCGTGCTTCCTCTTGAGGGTGGTGGTGATGGGCTCGTAGGACACCTTGGAGGGG[T>C]TGGCTGCCATGAACTTCTCCTCCATGGTCTGCTTGAGGGCGTCCATTTCCCCAGAGTCAC-3'
Protein context (NP_000325.4, residues 1699-1719): QTMEEKFMAA[Asn1709Ser]PSKVSYEPIT

ClinVar aggregate classification (germline): Uncertain significance. Review status: criteria provided, multiple submitters, no conflicts (2 of 4 stars). 6 submissions from 6 submitters: Uncertain significance (6). Last evaluated 2025-12-01.

Conditions:
Hyperkalemic periodic paralysis. Also called: Familial hyperkalemic periodic paralysis; Gamstorp disease. Identifiers: Orphanet 682, MedGen C0238357, MONDO:0008224, OMIM 170500, HP:0007215.
Hypokalemic periodic paralysis, type 2 (HOKPP2). Identifiers: Orphanet 681, MedGen C2750061, MONDO:0013234, OMIM 613345.
Potassium-aggravated myotonia. Also called: MYOTONIA CONGENITA, ACETAZOLAMIDE-RESPONSIVE; MYOTONIA CONGENITA, ATYPICAL; SODIUM CHANNEL MUSCLE DISEASE; Myotonia congenita, atypical, acetazolamide-responsive. Identifiers: Orphanet 612, Orphanet 99734, Orphanet 99735, Orphanet 99736, MedGen C2931826, MONDO:0018959, OMIM 608390.
Congenital myasthenic syndrome 16. Identifiers: Orphanet 590, MedGen C3280112, MONDO:0013620, OMIM 614198.
Paramyotonia congenita of Von Eulenburg. Also called: Paramyotonia Congenita; Eulenburg disease; Myotonia congenita intermittens; Von Eulenburg paramyotonia congenita; PARALYSIS PERIODICA PARAMYOTONICA. Identifiers: Orphanet 684, MedGen C0221055, MONDO:0008195, OMIM 168300. Disease mechanism: loss of function.
Congenital myopathy 22A, classic (CMYO22A). Identifiers: MedGen C5830453, MONDO:0957247, OMIM 620351.
Congenital myopathy 22B, severe fetal (CMYO22B). Identifiers: MedGen C5830501, MONDO:0957265, OMIM 620369.

Allele frequency attached by ClinVar (database versions not stated): gnomAD exomes 0.00002 and 0.00006; gnomAD 0.00004; TOPMed 0.00008; ExAC 0.00007.
gnomAD v4.1: 30 of 1,613,460 alleles (0.0019%); highest among the groups gnomAD compares: Admixed American, 0.035%; no homozygotes.

Submissions (6):

Labcorp Genetics (formerly Invitae), Labcorp
Classification: Uncertain significance for Hyperkalemic periodic paralysis. Last evaluated: 2025-12-01. Review status: criteria provided, single submitter. Criteria: Invitae Variant Classification Sherloc (09022015). Collection method: clinical testing. Allele origin: germline.
Comment: This sequence change replaces asparagine, which is neutral and polar, with serine, which is neutral and polar, at codon 1709 of the SCN4A protein (p.Asn1709Ser). This variant is present in population databases (rs766365683, gnomAD 0.05%). This missense change has been observed in individual(s) with myotonia (PMID: 32670189). ClinVar contains an entry for this variant (Variation ID: 448286). Invitae Evidence Modeling of protein sequence and biophysical properties (such as structural, functional, and spatial information, amino acid conservation, physicochemical variation, residue mobility, and thermodynamic stability) indicates that this missense variant is expected to disrupt SCN4A protein function with a positive predictive value of 80%. In summary, the available evidence is currently insufficient to determine the role of this variant in disease. Therefore, it has been classified as a Variant of Uncertain Significance.

GeneDx
Classification: Uncertain significance. Last evaluated: 2025-09-08. Review status: criteria provided, single submitter. Criteria: GeneDx Variant Classification Process June 2021. Collection method: clinical testing. Allele origin: germline. Affected: yes.
Comment: In silico analysis supports that this missense variant has a deleterious effect on protein structure/function; This variant is associated with the following publications: (PMID: 32670189)

Fulgent Genetics
Classification: Uncertain significance for Paramyotonia congenita of Von Eulenburg; Hyperkalemic periodic paralysis; Potassium-aggravated myotonia; Hypokalemic periodic paralysis, type 2; Congenital myasthenic syndrome 16; Congenital myopathy 22A, classic; Congenital myopathy 22B, severe fetal. Last evaluated: 2024-05-22. Review status: criteria provided, single submitter. Criteria: ACMG Guidelines, 2015. Collection method: clinical testing. Allele origin: germline.

Athena Diagnostics
Classification: Uncertain significance. Last evaluated: 2023-04-03. Review status: criteria provided, single submitter. Criteria: Athena Diagnostics Criteria. Collection method: clinical testing. Allele origin: unknown.
Comment: Available data are insufficient to determine the clinical significance of the variant at this time. The frequency of this variant in the general population is higher than would generally be expected for pathogenic variants in this gene. This variant is statistically more frequent in the patient population than in the general population, which is weak evidence this variant may be disease causing. This variant has been identified in at least one individual with clinical features of myotonia. Computational tools disagree on the variant's effect on normal protein function.

Clinical Genetics Laboratory, Skane University Hospital Lund
Classification: Uncertain significance. Last evaluated: 2023-01-27. Review status: criteria provided, single submitter. Criteria: ACMG Guidelines, 2015. Collection method: clinical testing. Allele origin: germline. Affected: yes.

Mayo Clinic Laboratories, Mayo Clinic
Classification: Uncertain significance. Last evaluated: 2019-09-25. Review status: criteria provided, single submitter. Criteria: ACMG Guidelines, 2015. Collection method: clinical testing. Allele origin: germline. Observed: 1 variant allele.

Literature cited by the submitters: PubMed 32670189 (cited by Labcorp Genetics (formerly Invitae), Labcorp and Athena Diagnostics).